The following is an entry in ClinVar:

NM_001144967.3(NEDD4L):c.191A>C (p.Lys64Thr)

Gene: NEDD4L (NEDD4 like E3 ubiquitin protein ligase; plus strand). Cytogenetic location: 18q21.31.
Variant type: single nucleotide variant.
Coding change: c.191A>C on transcript NM_001144967.3 (MANE Select); coding-DNA position 191, A replaced by C.
Protein change: p.Lys64Thr; replaces lysine 64 with threonine.
Molecular consequence: missense variant. On other transcripts: 5 prime UTR variant (5).
Genome position (GRCh38, 1-based): chr18:58,245,495, A>C. VCF-style: chr18-58245495-A-C. GRCh37 (hg19) VCF-style: chr18-55912727-A-C.
Other names: c.-173A>C (NM_001144964.1, NM_001144965.2, NM_001144966.3 and 2 more transcripts); c.167A>C, p.Lys56Thr (NM_001144968.2, NM_001144969.2); c.191A>C, p.Lys64Thr (NM_001243960.2, NM_015277.6); short protein forms K56T, K64T.
Identifiers: ClinVar variation 1429822 (VCV001429822.6), dbSNP rs2148412041, ClinGen allele CA402715710.

ClinVar aggregate classification (germline): Uncertain significance (1 of 4 stars; one submission).

Submission:

Labcorp Genetics (formerly Invitae), Labcorp
Classification: Uncertain significance. Last evaluated: 2021-08-16. Review status: criteria provided, single submitter. Criteria: Invitae Variant Classification Sherloc (09022015). Collection method: clinical testing. Allele origin: germline.
Comment: Algorithms developed to predict the effect of missense changes on protein structure and function are either unavailable or do not agree on the potential impact of this missense change (SIFT: "Tolerated"; PolyPhen-2: "Possibly Damaging"; Align-GVGD: "Class C0"). This variant has not been reported in the literature in individuals affected with NEDD4L-related conditions. This variant is not present in population databases (ExAC no frequency). This sequence change replaces lysine with threonine at codon 64 of the NEDD4L protein (p.Lys64Thr). The lysine residue is moderately conserved and there is a moderate physicochemical difference between lysine and threonine. In summary, the available evidence is currently insufficient to determine the role of this variant in disease. Therefore, it has been classified as a Variant of Uncertain Significance.